The following is an entry in ClinVar:

ClinVar aggregate classification (germline): Uncertain significance (1 of 4 stars; one submission).

Submission:

Institute for Clinical Genetics, University Hospital TU Dresden, University Hospital TU Dresden
Classification: Uncertain significance. Last evaluated: 2023-05-25. Review status: criteria provided, single submitter. Criteria: ACMG Guidelines, 2015. Collection method: clinical testing. Allele origin: germline.
Comment: PP3, PM2_SUP, PP2

NM_001035.3(RYR2):c.11635C>G (p.Leu3879Val)

Gene: RYR2 (ryanodine receptor 2; plus strand). Cytogenetic location: 1q43.
Variant type: single nucleotide variant.
Coding change: c.11635C>G on transcript NM_001035.3 (MANE Select); coding-DNA position 11635, C replaced by G.
Protein change: p.Leu3879Val; replaces leucine 3879 with valine.
Molecular consequence: missense variant.
Genome position (GRCh38, 1-based): chr1:237,772,089, C>G. VCF-style: chr1-237772089-C-G. GRCh37 (hg19) VCF-style: chr1-237935389-C-G.
Other names: short protein forms L3879V.
Identifiers: ClinVar variation 2576143 (VCV002576143.1), dbSNP rs2527613424, ClinGen allele CA345407282.